The following is an entry in ClinVar:

NM_000063.6(C2):c.283T>G (p.Phe95Val)

Gene: C2 (complement C2; plus strand). Cytogenetic location: 6p21.33.
Variant type: single nucleotide variant.
Coding change: c.283T>G on transcript NM_000063.6 (MANE Select); coding-DNA position 283, T replaced by G.
Protein change: p.Phe95Val; replaces phenylalanine 95 with valine.
Molecular consequence: missense variant. On other transcripts: genic upstream transcript variant (2), intron variant (1).
Genome position (GRCh38, 1-based): chr6:31,928,758, T>G. VCF-style: chr6-31928758-T-G. GRCh37 (hg19) VCF-style: chr6-31896535-T-G.
Other names: c.196T>G, p.Phe66Val (NM_001282458.2); c.283T>G, p.Phe95Val (NM_001282459.2); c.-63-4852T>G (NM_001282457.2); c.74-4852T>G (NM_001178063.3); c.46+960T>G (NM_001145903.3); short protein forms F66V, F95V.
Identifiers: ClinVar variation 905373 (VCV000905373.6), dbSNP rs201023669, ClinGen allele CA3727336.

ClinVar aggregate classification (germline): Uncertain significance. Review status: criteria provided, multiple submitters, no conflicts (2 of 4 stars). 4 submissions from 3 submitters: Uncertain significance (4). Last evaluated 2025-08-10.

Conditions:
Complement component 2 deficiency (C2D). Also called: C2 deficiency. Identifiers: MedGen C0398756, MONDO:0009006, OMIM 217000.
Age related macular degeneration 14. Also called: MACULAR DEGENERATION, AGE-RELATED, 14, REDUCED RISK OF. Identifiers: MedGen C3809653, MONDO:0014207, OMIM 615489.

Allele frequency attached by ClinVar (database versions not stated): gnomAD 0.00001 and 0.00003; TOPMed 0.00003; gnomAD exomes 0.00006 and 0.00015; ExAC 0.00007; 1000 Genomes Project 30x 0.00031; 1000 Genomes Project 0.00040.
gnomAD v4.1: 219 of 1,614,228 alleles (0.014%); highest among the groups gnomAD compares: East Asian, 0.49%; no homozygotes.

Submissions (4):

Ambry Genetics
Classification: Uncertain significance. Last evaluated: 2025-08-10. Review status: criteria provided, single submitter. Criteria: Ambry Variant Classification Scheme 2023. Collection method: clinical testing. Allele origin: germline.

Labcorp Genetics (formerly Invitae), Labcorp
Classification: Uncertain significance. Last evaluated: 2022-05-04. Review status: criteria provided, single submitter. Criteria: Invitae Variant Classification Sherloc (09022015). Collection method: clinical testing. Allele origin: germline.
Comment: This sequence change replaces phenylalanine, which is neutral and non-polar, with valine, which is neutral and non-polar, at codon 95 of the C2 protein (p.Phe95Val). This variant is present in population databases (rs201023669, gnomAD 0.07%). This variant has not been reported in the literature in individuals affected with C2-related conditions. ClinVar contains an entry for this variant (Variation ID: 905373). Algorithms developed to predict the effect of missense changes on protein structure and function are either unavailable or do not agree on the potential impact of this missense change (SIFT: "Deleterious"; PolyPhen-2: "Possibly Damaging"; Align-GVGD: "Class C0"). In summary, the available evidence is currently insufficient to determine the role of this variant in disease. Therefore, it has been classified as a Variant of Uncertain Significance.

Illumina Laboratory Services, Illumina
Classification: Uncertain significance for Complement component 2 deficiency. Last evaluated: 2018-01-13. Review status: criteria provided, single submitter. Criteria: ICSL Variant Classification Criteria 13 December 2019. Collection method: clinical testing. Allele origin: germline.

Illumina Laboratory Services, Illumina
Classification: Uncertain significance for Age related macular degeneration 14. Last evaluated: 2018-01-13. Review status: criteria provided, single submitter. Criteria: ICSL Variant Classification Criteria 13 December 2019. Collection method: clinical testing. Allele origin: germline.